The following is an entry in ClinVar:

NM_004409.5(DMPK):c.*224CTG[84]

Genes: DM1-AS (DM1 locus antisense RNA; plus strand), DMPK (DM1 protein kinase; minus strand), LOC107075317 (origin of replication in DMPK trinucleotide repeat region; plus strand), LOC109461477 (dystrophia myotonica protein kinase repeat instability region; plus strand). Cytogenetic location: 19q13.32.
Variant type: Microsatellite.
Coding change: c.*224CTG[84] on transcript NM_004409.5 (MANE Select); 84 copies in a row of the 3-base unit CTG starting at c.*224.
Molecular consequence: 3 prime UTR variant.
Genome position: GRCh38, VCF-style position (the base before the change): chr19:45,770,204. GRCh37 (hg19), VCF-style position (the base before the change): chr19:46,273,462.
Other names: DM1 CTG repeat expansion; c.*224CTG[84] (NM_001424165.1, NM_001424169.1, NM_001081560.3 and 1 more transcripts); c.*217CTG[84] (NM_001424166.1, NM_001081562.3, NM_001288765.2 and 2 more transcripts); c.*369CTG[84] (NM_001424168.1, NM_001288766.2, NM_001424164.1); c.*222_*224TGC[84] (NM_001081563.3).
Identifiers: ClinVar variation 188037 (VCV000188037.2), ClinGen allele CA915951867.

ClinVar aggregate classification (germline): Pathogenic (0 of 4 stars; one submission).

Conditions:
Steinert myotonic dystrophy syndrome (DM1). Also called: STEINERT DISEASE; Myotonic dystrophy type 1; Dystrophia myotonica type 1; Steinert myotonic dystrophy; Steinert's disease. Identifiers: Orphanet 273, MedGen C3250443, MONDO:0008056, OMIM 160900.

Submission:

Institute of Molecular, Cell and Systems Biology, University of Glasgow
Classification: Pathogenic for Steinert myotonic dystrophy syndrome. Review status: no assertion criteria provided. Criteria: research. Collection method: research. Allele origin: germline. Inheritance: Autosomal dominant inheritance. Affected: yes. Observed: 1 heterozygote.
Comment: DMPK CTG repeat expansions greater than approximately 45-50 repeats are assumed to be pathogenic

This record is based on data published in PubMed 25052313, which reports only ClinVar accessions SCV000120188 and SCV000120189. The complete data set includes SCV000207445 - SCV000207579.

Literature cited by the submitters: PubMed 1346923; PubMed 1546326; PubMed 25052313.